The following is an entry in ClinVar:

ClinVar aggregate classification (germline): Uncertain significance. Review status: criteria provided, multiple submitters, no conflicts (2 of 4 stars). 2 submissions from 2 submitters: Uncertain significance (2). Last evaluated 2025-09-26.

Submissions (2):

Ambry Genetics
Classification: Uncertain significance. Last evaluated: 2025-09-26. Review status: criteria provided, single submitter. Criteria: Ambry Variant Classification Scheme 2023. Collection method: clinical testing. Allele origin: germline.

Labcorp Genetics (formerly Invitae), Labcorp
Classification: Uncertain significance. Last evaluated: 2025-09-21. Review status: criteria provided, single submitter. Criteria: Invitae Variant Classification Sherloc (09022015). Collection method: clinical testing. Allele origin: germline.
Comment: This sequence change replaces proline, which is neutral and non-polar, with serine, which is neutral and polar, at codon 45 of the PSENEN protein (p.Pro45Ser). This variant is present in population databases (rs756396225, gnomAD 0.0009%). This variant has not been reported in the literature in individuals affected with PSENEN-related conditions. An algorithm developed to predict the effect of missense changes on protein structure and function (PolyPhen-2) suggests that this variant is likely to be disruptive. In summary, the available evidence is currently insufficient to determine the role of this variant in disease. Therefore, it has been classified as a Variant of Uncertain Significance.

NM_172341.4(PSENEN):c.133C>T (p.Pro45Ser)

Gene: PSENEN (presenilin enhancer, gamma-secretase subunit; plus strand). Cytogenetic location: 19q13.12.
Variant type: single nucleotide variant.
Coding change: c.133C>T on transcript NM_172341.4 (MANE Select); coding-DNA position 133, C replaced by T.
Protein change: p.Pro45Ser; replaces proline 45 with serine.
Molecular consequence: missense variant.
Genome position (GRCh38, 1-based): chr19:35,746,490, C>T. VCF-style: chr19-35746490-C-T. GRCh37 (hg19) VCF-style: chr19-36237391-C-T.
Other names: c.133C>T, p.Pro45Ser (NM_001281532.3); short protein forms P45S.
Identifiers: ClinVar variation 4573109 (VCV004573109.2).
Genomic context (GRCh38, chr19:35,746,490, plus strand): 5'-TTCCTGCCTTTTCTCTGGTTGGTCAACATCTTCTGGTTCTTCCGAGAGGCCTTCCTTGTC[C>T]CAGCCTACACAGAACAGAGCCAAATCAAAGGCTGTGAGTCTAGAGCACAGAGGAGGGAGG-3'
Protein context (NP_758844.1, residues 35-55): FWFFREAFLV[Pro45Ser]AYTEQSQIKG